The following is an entry in ClinVar:

NM_182961.4(SYNE1):c.25342G>A (p.Asp8448Asn)

Gene: SYNE1 (spectrin repeat containing nuclear envelope protein 1; minus strand). Cytogenetic location: 6q25.2.
Variant type: single nucleotide variant.
Coding change: c.25342G>A on transcript NM_182961.4 (MANE Select); coding-DNA position 25342, G replaced by A.
Protein change: p.Asp8448Asn; replaces aspartic acid 8448 with asparagine.
Molecular consequence: missense variant.
Genome position (GRCh38, 1-based): chr6:152,140,066, C>T on the plus strand (G>A on the coding strand, the complement: SYNE1 is on the minus strand). VCF-style: chr6-152140066-C-T. GRCh37 (hg19) VCF-style: chr6-152461201-C-T.
Other names: p.Asp8400Asn; c.1948G>A, p.Asp650Asn (NM_001347701.2); c.1876G>A, p.Asp626Asn (NM_001347702.2); c.25198G>A, p.Asp8400Asn (NM_033071.5); short protein forms D8400N, D8448N, D650N, D626N.
Identifiers: ClinVar variation 285365 (VCV000285365.22), dbSNP rs139679692, ClinGen allele CA4052865.
Genomic context (GRCh38, chr6:152,140,066, plus strand): 5'-GCTGGAGCTGTTCCAACTCCTCCTCCGTGTCCCCCAGCCAGGCCCAGATGCTGTTCAAGT[C>T]TGAGTTAAACTGCTGCCACTTCTGGAGGTTCTGCTTCATCCTCAACTCCTTGCTCAATGC-3'
Protein context (NP_892006.3, residues 8438-8458): NLQKWQQFNS[Asp8448Asn]LNSIWAWLGD

ClinVar aggregate classification (germline): Conflicting classifications of pathogenicity. Review status: criteria provided, conflicting classifications (1 of 4 stars). 9 submissions from 9 submitters: Uncertain significance (8); Benign (1). Last evaluated 2026-10-08.

Conditions:
Autosomal recessive ataxia, Beauce type. Also called: Spinocerebellar ataxia, autosomal recessive 8; ATAXIA, RECESSIVE, OF BEAUCE; SYNE1-Related Autosomal Recessive Cerebellar Ataxia; SYNE1 Deficiency. Identifiers: Orphanet 88644, MedGen C1853116, MONDO:0012549, OMIM 610743.
Emery-Dreifuss muscular dystrophy 4, autosomal dominant (EDMD4). Also called: EMERY-DREIFUSS MUSCULAR DYSTROPHY 4 WITH VARIABLE FEATURES. Identifiers: Orphanet 261, MedGen C2751807, MONDO:0013071, OMIM 612998.
Spastic ataxia. Identifiers: Orphanet 316226, MedGen C1849156, MONDO:0017845, HP:0002497.

Allele frequency attached by ClinVar (database versions not stated): gnomAD 0.00015 and 0.00016; TOPMed 0.00015; gnomAD exomes 0.00036 and 0.00027; ESP Exome Variant Server 0.00038; ExAC 0.00037.
gnomAD v4.1: 547 of 1,614,084 alleles (0.034%); highest among the groups gnomAD compares: Non-Finnish European, 0.044%; 1 homozygote.

Submissions (9):

GeneDx
Classification: Uncertain significance. Last evaluated: 2026-10-08. Review status: criteria provided, single submitter. Criteria: GeneDx Variant Classification Process June 2021. Collection method: clinical testing. Allele origin: germline.
Comment: In silico analysis supports that this missense variant has a deleterious effect on protein structure/function; Has not been previously published as pathogenic or benign to our knowledge

Labcorp Genetics (formerly Invitae), Labcorp
Classification: Uncertain significance for Emery-Dreifuss muscular dystrophy 4, autosomal dominant; Autosomal recessive ataxia, Beauce type. Last evaluated: 2025-11-11. Review status: criteria provided, single submitter. Criteria: Invitae Variant Classification Sherloc (09022015). Collection method: clinical testing. Allele origin: germline.
Comment: This sequence change replaces aspartic acid, which is acidic and polar, with asparagine, which is neutral and polar, at codon 8400 of the SYNE1 protein (p.Asp8400Asn). This variant is present in population databases (rs139679692, gnomAD 0.05%). This variant has not been reported in the literature in individuals affected with SYNE1-related conditions. ClinVar contains an entry for this variant (Variation ID: 285365). An algorithm developed to predict the effect of missense changes on protein structure and function (PolyPhen-2) suggests that this variant is likely to be disruptive. In summary, the available evidence is currently insufficient to determine the role of this variant in disease. Therefore, it has been classified as a Variant of Uncertain Significance.

Mayo Clinic Laboratories, Mayo Clinic
Classification: Uncertain significance. Last evaluated: 2025-06-23. Review status: criteria provided, single submitter. Criteria: ACMG Guidelines, 2015. Collection method: clinical testing. Allele origin: germline. Observed: 2 variant alleles.

Blueprint Genetics
Classification: Uncertain significance. Last evaluated: 2024-10-15. Review status: criteria provided, single submitter. Criteria: ACMG Guidelines, 2015. Collection method: clinical testing. Allele origin: germline.

Genomic Medicine Center of Excellence, King Faisal Specialist Hospital and Research Centre
Classification: Uncertain significance for Autosomal recessive ataxia, Beauce type. Last evaluated: 2024-04-04. Review status: criteria provided, single submitter. Criteria: ACMG Guidelines, 2015. Collection method: clinical testing. Allele origin: germline.

Molecular Medicine for Neurodegenerative and Neuromuscular Diseases Unit, IRCCS Fondazione Stella Maris
Classification: Benign for Spastic ataxia. Last evaluated: 2021-07-12. Review status: criteria provided, single submitter. Criteria: ACMG Guidelines, 2015. Collection method: research. Allele origin: unknown. Affected: yes.

Athena Diagnostics
Classification: Uncertain significance. Last evaluated: 2020-07-01. Review status: criteria provided, single submitter. Criteria: Athena Diagnostics Criteria. Collection method: clinical testing. Allele origin: unknown.

Baylor Genetics
Classification: Uncertain significance for Emery-Dreifuss muscular dystrophy 4, autosomal dominant. Last evaluated: 2018-11-26. Review status: criteria provided, single submitter. Criteria: ACMG Guidelines, 2015. Collection method: clinical testing. Allele origin: paternal. Affected: yes.
Comment: This variant was determined to be of uncertain significance according to ACMG Guidelines, 2015 [PMID:25741868].

Eurofins Ntd Llc (ga)
Classification: Uncertain significance. Last evaluated: 2018-08-29. Review status: criteria provided, single submitter. Criteria: EGL ClinVar v180209 classification definitions. Collection method: clinical testing. Allele origin: germline. Observed: 6 variant alleles, 6 heterozygotes.